The following is an entry in ClinVar:

NM_001160372.4(TRAPPC9):c.1758C>A (p.Asn586Lys)

Gene: TRAPPC9 (trafficking protein particle complex subunit 9; minus strand). Cytogenetic location: 8q24.3.
Variant type: single nucleotide variant.
Coding change: c.1758C>A on transcript NM_001160372.4 (MANE Select); coding-DNA position 1758, C replaced by A.
Protein change: p.Asn586Lys; replaces asparagine 586 with lysine.
Molecular consequence: missense variant. On other transcripts: non-coding transcript variant (1).
Genome position (GRCh38, 1-based): chr8:140,300,479, G>T on the plus strand (C>A on the coding strand, the complement: TRAPPC9 is on the minus strand). VCF-style: chr8-140300479-G-T. GRCh37 (hg19) VCF-style: chr8-141310578-G-T.
Other names: c.1731C>A, p.Asn577Lys (NM_001321646.2); c.1779C>A, p.Asn593Lys (NM_001374682.1); c.1758C>A, p.Asn586Lys (NM_001374683.1, NM_031466.8); c.1614C>A, p.Asn538Lys (NM_001374684.1); c.2052C>A (NM_031466.5); short protein forms N593K, N538K, N577K, N586K.
Identifiers: ClinVar variation 3012416 (VCV003012416.4), dbSNP rs143211873, ClinGen allele CA372315778.

ClinVar aggregate classification (germline): Uncertain significance. Review status: criteria provided, multiple submitters, no conflicts (2 of 4 stars). 2 submissions from 2 submitters: Uncertain significance (2). Last evaluated 2025-11-17.

Conditions:
Inborn genetic diseases. Identifiers: MedGen C0950123, MeSH D030342.

Allele frequency attached by ClinVar (database versions not stated): TOPMed below 0.00001.
gnomAD v4.1: 2 of 1,614,082 alleles (0.00012%); highest among the groups gnomAD compares: East Asian, 0.0045%; no homozygotes.

Submissions (2):

Labcorp Genetics (formerly Invitae), Labcorp
Classification: Uncertain significance. Last evaluated: 2025-11-17. Review status: criteria provided, single submitter. Criteria: Invitae Variant Classification Sherloc (09022015). Collection method: clinical testing. Allele origin: germline.
Comment: This sequence change replaces asparagine, which is neutral and polar, with lysine, which is basic and polar, at codon 684 of the TRAPPC9 protein (p.Asn684Lys). This variant is present in population databases (no rsID available, gnomAD 0.006%). This variant has not been reported in the literature in individuals affected with TRAPPC9-related conditions. ClinVar contains an entry for this variant (Variation ID: 3012416). An algorithm developed to predict the effect of missense changes on protein structure and function (PolyPhen-2) suggests that this variant is likely to be tolerated. In summary, the available evidence is currently insufficient to determine the role of this variant in disease. Therefore, it has been classified as a Variant of Uncertain Significance.

Ambry Genetics
Classification: Uncertain significance for Inborn genetic diseases. Last evaluated: 2024-04-16. Review status: criteria provided, single submitter. Criteria: Ambry Variant Classification Scheme 2023. Collection method: clinical testing. Allele origin: germline.